The following is an entry in ClinVar:

ClinVar aggregate classification (germline): Likely benign. Review status: criteria provided, multiple submitters, no conflicts (2 of 4 stars). 2 submissions from 2 submitters: Likely benign (2). Last evaluated 2024-10-17.

Conditions:
CNGA3-related disorder. Also called: CNGA3-related condition.

Allele frequency attached by ClinVar (database versions not stated): TOPMed below 0.00001; gnomAD 0.00001; gnomAD exomes 0.00001; ExAC 0.00002.
gnomAD v4.1: 12 of 1,614,048 alleles (0.00074%); highest among the groups gnomAD compares: African/African-American, 0.0013%; no homozygotes.

Submissions (2):

PreventionGenetics, part of Exact Sciences
Classification: Likely benign for CNGA3-related condition. Last evaluated: 2024-10-17. Review status: criteria provided, single submitter. Criteria: ACMG Guidelines, 2015. Collection method: clinical testing. Allele origin: germline.
Comment: This variant is classified as likely benign based on ACMG/AMP sequence variant interpretation guidelines (Richards et al. 2015 PMID: 25741868, with internal and published modifications).

Labcorp Genetics (formerly Invitae), Labcorp
Classification: Likely benign. Last evaluated: 2023-08-04. Review status: criteria provided, single submitter. Criteria: Invitae Variant Classification Sherloc (09022015). Collection method: clinical testing. Allele origin: germline.

NM_001298.3(CNGA3):c.741G>A (p.Thr247=)

Gene: CNGA3 (cyclic nucleotide gated channel subunit alpha 3; plus strand). Cytogenetic location: 2q11.2.
Variant type: single nucleotide variant.
Coding change: c.741G>A on transcript NM_001298.3 (MANE Select); coding-DNA position 741, G replaced by A.
Protein change: p.Thr247=; no amino-acid change (threonine 247 retained).
Molecular consequence: synonymous variant.
Genome position (GRCh38, 1-based): chr2:98,395,911, G>A. VCF-style: chr2-98395911-G-A. GRCh37 (hg19) VCF-style: chr2-99012374-G-A.
Other names: c.687G>A, p.Thr229= (NM_001079878.2); c.741G>A (NM_001298.2).
Identifiers: ClinVar variation 1630722 (VCV001630722.9), dbSNP rs765663301, ClinGen allele CA1793885.